The following is an entry in ClinVar:

ClinVar aggregate classification (germline): Uncertain significance (1 of 4 stars; one submission).

Conditions:
Erythrocytosis, familial, 3 (ECYT3). Identifiers: Orphanet 247511, MedGen C1853286, MONDO:0012353, OMIM 609820.

Submission:

Labcorp Genetics (formerly Invitae), Labcorp
Classification: Uncertain significance for Erythrocytosis, familial, 3. Last evaluated: 2022-10-25. Review status: criteria provided, single submitter. Criteria: Invitae Variant Classification Sherloc (09022015). Collection method: clinical testing. Allele origin: germline.
Comment: In summary, the available evidence is currently insufficient to determine the role of this variant in disease. Therefore, it has been classified as a Variant of Uncertain Significance. Algorithms developed to predict the effect of missense changes on protein structure and function output the following: SIFT: "Tolerated"; PolyPhen-2: "Possibly Damaging"; Align-GVGD: "Class C0". The glutamic acid amino acid residue is found in multiple mammalian species, which suggests that this missense change does not adversely affect protein function. This variant has not been reported in the literature in individuals affected with EGLN1-related conditions. This variant is not present in population databases (gnomAD no frequency). This sequence change replaces lysine, which is basic and polar, with glutamic acid, which is acidic and polar, at codon 52 of the EGLN1 protein (p.Lys52Glu).

NM_022051.3(EGLN1):c.154A>G (p.Lys52Glu)

Gene: EGLN1 (egl-9 family hypoxia inducible factor 1; minus strand). Cytogenetic location: 1q42.2.
Variant type: single nucleotide variant.
Coding change: c.154A>G on transcript NM_022051.3 (MANE Select); coding-DNA position 154, A replaced by G.
Protein change: p.Lys52Glu; replaces lysine 52 with glutamic acid.
Molecular consequence: missense variant.
Genome position (GRCh38, 1-based): chr1:231,421,735, T>C on the plus strand (A>G on the coding strand, the complement: EGLN1 is on the minus strand). VCF-style: chr1-231421735-T-C. GRCh37 (hg19) VCF-style: chr1-231557481-T-C.
Other names: c.154A>G, p.Lys52Glu (NM_001377260.1, NM_001377261.1); short protein forms K52E.
Identifiers: ClinVar variation 2156885 (VCV002156885.4), dbSNP rs2527361610, ClinGen allele CA345238910.